The following is an entry in ClinVar:

NM_001346022.3(USP45):c.878_881del (p.Asp293fs)

Gene: USP45 (ubiquitin specific peptidase 45; minus strand). Cytogenetic location: 6q16.2.
Variant type: Deletion.
Coding change: c.878_881del on transcript NM_001346022.3 (MANE Select); coding-DNA positions 878 to 881, 4 bases deleted (ACAG; older notation c.878_881delACAG).
Protein change: p.Asp293fs; shifts the reading frame from aspartic acid 293.
Molecular consequence: frameshift variant. On other transcripts: 5 prime UTR variant (3), non-coding transcript variant (5).
Genome position (GRCh38, 1-based): chr6:99,476,195-99,476,198, CTGT deleted on the plus strand (ACAG on the coding strand, the reverse complement: USP45 is on the minus strand); deleting any 4 consecutive bases within chr6:99,476,195-99,476,199 gives the same sequence; the c. name uses the placement nearest the transcript's 3' end. VCF-style (leftmost placement, unchanged base first): chr6-99476194-ACTGT-A. GRCh37 (hg19) VCF-style: chr6-99924070-ACTGT-A.
Other names: c.878_881del, p.Asp293fs (NM_001346024.3, NM_001346026.3, NM_001346030.2 and 2 more transcripts); c.875_878del, p.Asp292fs (NM_001346025.3, NM_001346023.3); c.-111_-108del (NM_001346027.3, NM_001346028.3, NM_001346029.3); c.878_881delACAG (NM_001080481.3); short protein forms D292fs, D293fs.
Identifiers: ClinVar variation 4849450 (VCV004849450.1).

ClinVar aggregate classification (germline): Likely pathogenic (1 of 4 stars; one submission).

Conditions:
Leber congenital amaurosis 19. Identifiers: MedGen C5193139, MONDO:0032794, OMIM 618513.

Submission:

First Genomix Gene Laboratory, Genetic Diagnostics Department
Classification: Likely pathogenic for Leber congenital amaurosis 19. Last evaluated: 2025-06-16. Review status: criteria provided, single submitter. Criteria: ACMG Guidelines, 2015. Collection method: clinical testing. Allele origin: germline. Inheritance: Autosomal recessive inheritance. Affected: no.